The following is an entry in ClinVar:

NM_005548.3(KARS1):c.658C>T (p.Leu220Phe)

Gene: KARS1 (lysyl-tRNA synthetase 1; minus strand). Cytogenetic location: 16q23.1.
Variant type: single nucleotide variant.
Coding change: c.658C>T on transcript NM_005548.3 (MANE Select); coding-DNA position 658, C replaced by T.
Protein change: p.Leu220Phe; replaces leucine 220 with phenylalanine.
Molecular consequence: missense variant.
Genome position (GRCh38, 1-based): chr16:75,635,923, G>A on the plus strand (C>T on the coding strand, the complement: KARS1 is on the minus strand). VCF-style: chr16-75635923-G-A. GRCh37 (hg19) VCF-style: chr16-75669821-G-A.
Other names: c.742C>T, p.Leu248Phe (NM_001130089.2); c.190C>T, p.Leu64Phe (NM_001378148.1); short protein forms L220F, L248F, L64F.
Identifiers: ClinVar variation 3359991 (VCV003359991.1).
Genomic context (GRCh38, chr16:75,635,923, plus strand): 5'-AACAAACAGAAAGCTAGGAGGCCACAGCTAGGAGGCCAAGAACGCTTACCTTGTCTTTGA[G>A]GCCAAAGTGAAGATGAGGTAACATATGCAAACAGGGAGACAGCAGTGTGATCTCATACGG-3'
Protein context (NP_005539.1, residues 210-230): LHMLPHLHFG[Leu220Phe]KDKETRYRQR

ClinVar aggregate classification (germline): Uncertain significance (1 of 4 stars; one submission).

Submission:

GeneDx
Classification: Uncertain significance. Last evaluated: 2023-06-20. Review status: criteria provided, single submitter. Criteria: GeneDx Variant Classification Process June 2021. Collection method: clinical testing. Allele origin: germline. Affected: yes.
Comment: Not observed at significant frequency in large population cohorts (gnomAD); In silico analysis supports that this missense variant has a deleterious effect on protein structure/function; Has not been previously published as pathogenic or benign to our knowledge